The following is an entry in ClinVar:

NM_000258.3(MYL3):c.194C>G (p.Pro65Arg)

Gene: MYL3 (myosin light chain 3; minus strand). Cytogenetic location: 3p21.31.
Variant type: single nucleotide variant.
Coding change: c.194C>G on transcript NM_000258.3 (MANE Select); coding-DNA position 194, C replaced by G.
Protein change: p.Pro65Arg; replaces proline 65 with arginine.
Molecular consequence: missense variant.
Genome position (GRCh38, 1-based): chr3:46,860,789, G>C on the plus strand (C>G on the coding strand, the complement: MYL3 is on the minus strand). VCF-style: chr3-46860789-G-C. GRCh37 (hg19) VCF-style: chr3-46902279-G-C.
Other names: p.P65R:CCC>CGC; short protein forms P65R.
Identifiers: ClinVar variation 181440 (VCV000181440.8), dbSNP rs730880955, ClinGen allele CA013649.

ClinVar aggregate classification (germline): Uncertain significance. Review status: criteria provided, multiple submitters, no conflicts (2 of 4 stars). 3 submissions from 3 submitters: Uncertain significance (3). Last evaluated 2025-04-10.

Conditions:
Cardiovascular phenotype. Identifiers: MedGen CN230736.
Hypertrophic cardiomyopathy. Also called: HYPERTROPHIC MYOCARDIOPATHY. Identifiers: Orphanet 217569, MedGen C0007194, MeSH D002312, MONDO:0005045, HP:0001639.

Allele frequency attached by ClinVar (database versions not stated): ExAC 0.00001; gnomAD 0.00001; gnomAD exomes 0.00001; TOPMed 0.00001.

Submissions (3):

Labcorp Genetics (formerly Invitae), Labcorp
Classification: Uncertain significance for Hypertrophic cardiomyopathy. Last evaluated: 2025-04-10. Review status: criteria provided, single submitter. Criteria: Invitae Variant Classification Sherloc (09022015). Collection method: clinical testing. Allele origin: germline.
Comment: This sequence change replaces proline, which is neutral and non-polar, with arginine, which is basic and polar, at codon 65 of the MYL3 protein (p.Pro65Arg). This variant is present in population databases (rs730880955, gnomAD 0.02%). This variant has not been reported in the literature in individuals affected with MYL3-related conditions. ClinVar contains an entry for this variant (Variation ID: 181440). An algorithm developed to predict the effect of missense changes on protein structure and function (PolyPhen-2) suggests that this variant is likely to be disruptive. In summary, the available evidence is currently insufficient to determine the role of this variant in disease. Therefore, it has been classified as a Variant of Uncertain Significance.

GeneDx
Classification: Uncertain significance. Last evaluated: 2022-07-07. Review status: criteria provided, single submitter. Criteria: GeneDx Variant Classification Process June 2021. Collection method: clinical testing. Allele origin: germline. Affected: yes.
Comment: Not observed at significant frequency in large population cohorts (gnomAD); In silico analysis supports that this missense variant has a deleterious effect on protein structure/function; Has not been previously published as pathogenic or benign to our knowledge

Ambry Genetics
Classification: Uncertain significance for Cardiovascular phenotype. Last evaluated: 2022-05-04. Review status: criteria provided, single submitter. Criteria: Ambry Variant Classification Scheme 2023. Collection method: clinical testing. Allele origin: germline.
Comment: The p.P65R variant (also known as c.194C>G), located in coding exon 3 of the MYL3 gene, results from a C to G substitution at nucleotide position 194. The proline at codon 65 is replaced by arginine, an amino acid with dissimilar properties. This amino acid position is highly conserved in available vertebrate species. In addition, the in silico prediction for this alteration is inconclusive. Since supporting evidence is limited at this time, the clinical significance of this alteration remains unclear.